The following is an entry in ClinVar:

ClinVar aggregate classification (germline): Uncertain significance (1 of 4 stars; one submission).

Allele frequency attached by ClinVar (database versions not stated): TOPMed below 0.00001; gnomAD 0.00001.
gnomAD v4.1: 5 of 1,613,286 alleles (0.00031%); highest among the groups gnomAD compares: Non-Finnish European, 0.00042%; no homozygotes.

Submission:

Labcorp Genetics (formerly Invitae), Labcorp
Classification: Uncertain significance. Last evaluated: 2021-02-17. Review status: criteria provided, single submitter. Criteria: Invitae Variant Classification Sherloc (09022015). Collection method: clinical testing. Allele origin: germline.
Comment: This sequence change replaces glutamic acid with alanine at codon 150 of the PUS3 protein (p.Glu150Ala). The glutamic acid residue is weakly conserved and there is a moderate physicochemical difference between glutamic acid and alanine. This variant is not present in population databases (ExAC no frequency). This variant has not been reported in the literature in individuals with PUS3-related conditions. Algorithms developed to predict the effect of missense changes on protein structure and function (SIFT, PolyPhen-2, Align-GVGD) all suggest that this variant is likely to be tolerated, but these predictions have not been confirmed by published functional studies and their clinical significance is uncertain. In summary, the available evidence is currently insufficient to determine the role of this variant in disease. Therefore, it has been classified as a Variant of Uncertain Significance.

NM_031307.4(PUS3):c.449A>C (p.Glu150Ala)

Genes: PUS3 (pseudouridine synthase 3; minus strand), HYLS1 (HYLS1 centriolar and ciliogenesis associated; plus strand). Cytogenetic location: 11q24.2.
Variant type: single nucleotide variant.
Coding change: c.449A>C on transcript NM_031307.4 (MANE Select); coding-DNA position 449, A replaced by C.
Protein change: p.Glu150Ala; replaces glutamic acid 150 with alanine.
Molecular consequence: missense variant. On other transcripts: 5 prime UTR variant (1), intron variant (5).
Genome position (GRCh38, 1-based): chr11:125,895,719, T>G on the plus strand (A>C on the coding strand, the complement: PUS3 is on the minus strand). VCF-style: chr11-125895719-T-G. GRCh37 (hg19) VCF-style: chr11-125765614-T-G.
Other names: c.-176A>C (NM_001271985.2); c.-80-3385T>G (NM_145014.3); c.-25-3625T>G (NM_001134793.2, NM_001377269.1); c.-22-3628T>G (NM_001424364.1, NM_001377270.1); short protein forms E150A.
Identifiers: ClinVar variation 1417244 (VCV001417244.7), dbSNP rs1322006941, ClinGen allele CA383199740.